The following is an entry in ClinVar:

ClinVar aggregate classification (germline): Likely pathogenic (1 of 4 stars; one submission).

Conditions:
Sitosterolemia (STSL). Also called: PHYTOSTEROLEMIA. Identifiers: Orphanet 2882, MedGen C0342907, MONDO:0008863.

Submission:

Labcorp Genetics (formerly Invitae), Labcorp
Classification: Likely pathogenic for Sitosterolemia. Last evaluated: 2025-11-23. Review status: criteria provided, single submitter. Criteria: Invitae Variant Classification Sherloc (09022015). Collection method: clinical testing. Allele origin: germline.
Comment: This sequence change affects an acceptor splice site in intron 2 of the ABCG5 gene. It is expected to disrupt RNA splicing. Variants that disrupt the donor or acceptor splice site typically lead to a loss of protein function (PMID: 16199547), and loss-of-function variants in ABCG5 are known to be pathogenic (PMID: 11138003, 25665839). This variant is not present in population databases (gnomAD no frequency). This variant has not been reported in the literature in individuals affected with ABCG5-related conditions. ClinVar contains an entry for this variant (Variation ID: 3704310). Algorithms developed to predict the effect of sequence changes on RNA splicing suggest that this variant may disrupt the consensus splice site. In summary, the currently available evidence indicates that the variant is pathogenic, but additional data are needed to prove that conclusively. Therefore, this variant has been classified as Likely Pathogenic.

Literature cited by the submitters: PubMed 16199547; PubMed 11138003; PubMed 25665839.

NM_022436.3(ABCG5):c.266-2A>G

Gene: ABCG5 (ATP binding cassette subfamily G member 5; minus strand). Cytogenetic location: 2p21.
Variant type: single nucleotide variant.
Coding change: c.266-2A>G on transcript NM_022436.3 (MANE Select); the canonical splice acceptor site of the intron before coding-DNA position 266, A replaced by G.
Molecular consequence: splice acceptor variant.
Genome position (GRCh38, 1-based): chr2:43,832,085, T>C on the plus strand (A>G on the coding strand, the complement: ABCG5 is on the minus strand). VCF-style: chr2-43832085-T-C. GRCh37 (hg19) VCF-style: chr2-44059224-T-C.
Identifiers: ClinVar variation 3704310 (VCV003704310.2).